The following is an entry in ClinVar:

NM_001540.5(HSPB1):c.131A>G (p.Gln44Arg)

Gene: HSPB1 (heat shock protein family B (small) member 1; plus strand). Cytogenetic location: 7q11.23.
Variant type: single nucleotide variant.
Coding change: c.131A>G on transcript NM_001540.5 (MANE Select); coding-DNA position 131, A replaced by G.
Protein change: p.Gln44Arg; replaces glutamine 44 with arginine.
Molecular consequence: missense variant.
Genome position (GRCh38, 1-based): chr7:76,302,843, A>G. VCF-style: chr7-76302843-A-G. GRCh37 (hg19) VCF-style: chr7-75932160-A-G.
Other names: short protein forms Q44R.
Identifiers: ClinVar variation 3905761 (VCV003905761.10).
Genomic context (GRCh38, chr7:76,302,843, plus strand): 5'-CGCATAGCCGCCTCTTCGACCAGGCCTTCGGGCTGCCCCGGCTGCCGGAGGAGTGGTCGC[A>G]GTGGTTAGGCGGCAGCAGCTGGCCAGGCTACGTGCGCCCCCTGCCCCCCGCCGCCATCGA-3'
Protein context (NP_001531.1, residues 34-54): GLPRLPEEWS[Gln44Arg]WLGGSSWPGY

ClinVar aggregate classification (germline): Uncertain significance (1 of 4 stars; one submission).

gnomAD v4.1: 1 of 1,600,416 alleles (0.000062%); highest among the groups gnomAD compares: East Asian, 0.0022%; no homozygotes.

Submission:

CeGaT Center for Human Genetics Tuebingen
Classification: Uncertain significance. Last evaluated: 2025-07-01. Review status: criteria provided, single submitter. Criteria: CeGaT Center For Human Genetics Tuebingen Variant Classification Criteria Version 2. Collection method: clinical testing. Allele origin: germline. Affected: yes. Observed: 1 variant allele.
Comment: HSPB1: PM2